The following is an entry in ClinVar:

ClinVar aggregate classification (germline): Uncertain significance (1 of 4 stars; one submission).

Conditions:
Autosomal dominant nonsyndromic hearing loss 65. Also called: Deafness, autosomal dominant 65; TBC1D24-Related Autosomal Dominant Nonsyndromic Hearing Loss (DFNA). Identifiers: Orphanet 90635, MedGen C3892048, MONDO:0014470, OMIM 616044.
Developmental and epileptic encephalopathy, 1 (DEE1). Also called: Epileptic encephalopathy, early infantile, 1; X-linked infantile spasms; West's syndrome; Tonic spasms with clustering, arrest of psychomotor development and hypsarrhythmia on EEG; X-Linked Infantile Spasm Syndrome; OHTAHARA SYNDROME, X-LINKED. Identifiers: MedGen C3463992, MONDO:0010632, OMIM 308350. Disease mechanism: loss of function.

Submission:

Labcorp Genetics (formerly Invitae), Labcorp
Classification: Uncertain significance for Developmental and epileptic encephalopathy, 1; Autosomal dominant nonsyndromic hearing loss 65. Last evaluated: 2023-08-17. Review status: criteria provided, single submitter. Criteria: Invitae Variant Classification Sherloc (09022015). Collection method: clinical testing. Allele origin: germline.
Comment: In summary, the available evidence is currently insufficient to determine the role of this variant in disease. Therefore, it has been classified as a Variant of Uncertain Significance. Advanced modeling of protein sequence and biophysical properties (such as structural, functional, and spatial information, amino acid conservation, physicochemical variation, residue mobility, and thermodynamic stability) performed at Invitae indicates that this missense variant is not expected to disrupt TBC1D24 protein function. ClinVar contains an entry for this variant (Variation ID: 541317). This variant has not been reported in the literature in individuals affected with TBC1D24-related conditions. This variant is not present in population databases (gnomAD no frequency). This sequence change replaces isoleucine, which is neutral and non-polar, with methionine, which is neutral and non-polar, at codon 269 of the TBC1D24 protein (p.Ile269Met).

NM_001199107.2(TBC1D24):c.807C>G (p.Ile269Met)

Gene: TBC1D24 (TBC1 domain family member 24; plus strand). Cytogenetic location: 16p13.3.
Variant type: single nucleotide variant.
Coding change: c.807C>G on transcript NM_001199107.2 (MANE Select); coding-DNA position 807, C replaced by G.
Protein change: p.Ile269Met; replaces isoleucine 269 with methionine.
Molecular consequence: missense variant.
Genome position (GRCh38, 1-based): chr16:2,496,955, C>G. VCF-style: chr16-2496955-C-G. GRCh37 (hg19) VCF-style: chr16-2546956-C-G.
Other names: c.807C>G, p.Ile269Met (NM_020705.3); short protein forms I269M.
Identifiers: ClinVar variation 541317 (VCV000541317.9), dbSNP rs762576413, ClinGen allele CA394377415.